The following is an entry in ClinVar:

ClinVar aggregate classification (germline): Conflicting classifications of pathogenicity. Review status: criteria provided, conflicting classifications (1 of 4 stars). 2 submissions from 2 submitters: Uncertain significance (1); Likely benign (1). Last evaluated 2025-08-29.

Conditions:
Hereditary cancer-predisposing syndrome. Also called: Tumor predisposition; Neoplastic Syndromes, Hereditary; Hereditary Cancer Syndrome; Hereditary neoplastic syndrome. Identifiers: Orphanet 140162, MedGen C0027672, MeSH D009386, MONDO:0015356.
Cardiovascular phenotype. Identifiers: MedGen CN230736.
Neurofibromatosis, type 1 (NF1). Also called: Neurofibromatosis, type I; NEUROFIBROMATOSIS, TYPE I, SOMATIC; Peripheral type neurofibromatosis; VON RECKLINGHAUSEN DISEASE. Identifiers: Orphanet 636, MedGen C0027831, MONDO:0018975, OMIM 162200. Disease mechanism: loss of function.

Allele frequency attached by ClinVar (database versions not stated): gnomAD exomes below 0.00001.
gnomAD v4.1: 3 of 1,613,682 alleles (0.00019%); highest among the groups gnomAD compares: Non-Finnish European, 0.00025%; no homozygotes.

Submissions (2):

Ambry Genetics
Classification: Likely benign for Cardiovascular phenotype; Hereditary cancer-predisposing syndrome. Last evaluated: 2025-08-29. Review status: criteria provided, single submitter. Criteria: Ambry Variant Classification Scheme 2023. Collection method: clinical testing. Allele origin: germline.

Labcorp Genetics (formerly Invitae), Labcorp
Classification: Uncertain significance for Neurofibromatosis, type 1. Last evaluated: 2021-07-29. Review status: criteria provided, single submitter. Criteria: Invitae Variant Classification Sherloc (09022015). Collection method: clinical testing. Allele origin: germline.
Comment: This sequence change replaces asparagine with lysine at codon 1112 of the NF1 protein (p.Asn1112Lys). The asparagine residue is moderately conserved and there is a moderate physicochemical difference between asparagine and lysine. This variant is not present in population databases (ExAC no frequency) and has not been reported in the literature in individuals with an NF1-related disease. In summary, this variant is a novel missense change with uncertain impact on protein function. It has been classified as a Variant of Uncertain Significance. Algorithms developed to predict the effect of missense changes on protein structure and function do not agree on the potential impact of this missense change (SIFT: "Tolerated"; PolyPhen-2: "Probably Damaging"; Align-GVGD: "Class C0").

NM_001042492.3(NF1):c.3336C>A (p.Asn1112Lys)

Gene: NF1 (neurofibromin 1; plus strand). Cytogenetic location: 17q11.2.
Variant type: single nucleotide variant.
Coding change: c.3336C>A on transcript NM_001042492.3 (MANE Select); coding-DNA position 3336, C replaced by A.
Protein change: p.Asn1112Lys; replaces asparagine 1112 with lysine.
Molecular consequence: missense variant.
Genome position (GRCh38, 1-based): chr17:31,232,721, C>A. VCF-style: chr17-31232721-C-A. GRCh37 (hg19) VCF-style: chr17-29559739-C-A.
Other names: c.3336C>A, p.Asn1112Lys (NM_000267.4); short protein forms N1112K.
Identifiers: ClinVar variation 404443 (VCV000404443.8), dbSNP rs1060500262, ClinGen allele CA16615205.
Genomic context (GRCh38, chr17:31,232,721, plus strand): 5'-GGCCTTCACTATGTAAAGGTCAGTCTTTTTATTTCTCAGATACTTCACATTATTTATGAA[C>A]CTTTTGAATGACTGCAGTGAAGTTGAAGATGAAAGTGCGCAAACAGGTGGCAGGAAACGT-3'
Protein context (NP_001035957.1, residues 1102-1122): LFLKYFTLFM[Asn1112Lys]LLNDCSEVED